The following is an entry in ClinVar:

NM_005247.4(FGF3):c.221-1G>C

Gene: FGF3 (fibroblast growth factor 3; minus strand). Cytogenetic location: 11q13.3.
Variant type: single nucleotide variant.
Coding change: c.221-1G>C on transcript NM_005247.4 (MANE Select); the canonical splice acceptor site of the intron before coding-DNA position 221, G replaced by C.
Molecular consequence: splice acceptor variant.
Genome position (GRCh38, 1-based): chr11:69,816,424, C>G on the plus strand (G>C on the coding strand, the complement: FGF3 is on the minus strand). VCF-style: chr11-69816424-C-G. GRCh37 (hg19) VCF-style: chr11-69631192-C-G.
Identifiers: ClinVar variation 2015207 (VCV002015207.4), dbSNP rs946999197, ClinGen allele CA381664302.

ClinVar aggregate classification (germline): Likely pathogenic (1 of 4 stars; one submission).

Submission:

Labcorp Genetics (formerly Invitae), Labcorp
Classification: Likely pathogenic. Last evaluated: 2022-07-08. Review status: criteria provided, single submitter. Criteria: Invitae Variant Classification Sherloc (09022015). Collection method: clinical testing. Allele origin: germline.
Comment: This sequence change affects an acceptor splice site in intron 1 of the FGF3 gene. It is expected to disrupt RNA splicing. Variants that disrupt the donor or acceptor splice site typically lead to a loss of protein function (PMID: 16199547), and loss-of-function variants in FGF3 are known to be pathogenic (PMID: 18435799). This variant is not present in population databases (gnomAD no frequency). This variant has not been reported in the literature in individuals affected with FGF3-related conditions. Algorithms developed to predict the effect of sequence changes on RNA splicing suggest that this variant may disrupt the consensus splice site. In summary, the currently available evidence indicates that the variant is pathogenic, but additional data are needed to prove that conclusively. Therefore, this variant has been classified as Likely Pathogenic.

Literature cited by the submitters: PubMed 16199547; PubMed 18435799.